The following is an entry in ClinVar:

ClinVar aggregate classification (germline): Uncertain significance (1 of 4 stars; one submission).

Allele frequency attached by ClinVar (database versions not stated): gnomAD exomes 0.00001.
gnomAD v4.1: 7 of 1,211,015 alleles (0.00058%); highest among the groups gnomAD compares: African/African-American, 0.0017%; no homozygotes.

Submission:

GeneDx
Classification: Uncertain significance. Last evaluated: 2017-01-06. Review status: criteria provided, single submitter. Criteria: GeneDx Variant Classification (06012015). Collection method: clinical testing. Allele origin: germline. Affected: yes.
Comment: The R1586Q variant in the TAF1 gene has not been reported previously as a pathogenic variant, nor as a benign variant, to our knowledge. The R1586Q variant was not observed in approximately 6500 individuals of European and African American ancestry in the NHLBI Exome Sequencing Project, indicating it is not a common benign variant in these populations. The R1586Q variant is a semi-conservative amino acid substitution, which may impact secondary protein structure as these residues differ in some properties. This substitution occurs at a position that is conserved across species. In silico analysis predicts this variant is probably damaging to the protein structure/function. Therefore, we interpret R1586Q as a variant of uncertain significance

NM_004606.5(TAF1):c.4697G>A (p.Arg1566Gln)

Gene: TAF1 (TATA-box binding protein associated factor 1; plus strand). Cytogenetic location: Xq13.1.
Variant type: single nucleotide variant.
Coding change: c.4697G>A on transcript NM_004606.5 (MANE Select); coding-DNA position 4697, G replaced by A.
Protein change: p.Arg1566Gln; replaces arginine 1566 with glutamine.
Molecular consequence: missense variant. On other transcripts: non-coding transcript variant (9).
Genome position (GRCh38, 1-based): chrX:71,424,182, G>A. VCF-style: chrX-71424182-G-A. GRCh37 (hg19) VCF-style: chrX-70644032-G-A.
Other names: c.4697G>A, p.Arg1566Gln (NM_001286074.2); c.4634G>A, p.Arg1545Gln (NM_138923.4); short protein forms R1545Q, R1566Q.
Identifiers: ClinVar variation 392247 (VCV000392247.2), dbSNP rs1057524409, ClinGen allele CA16608928.
Genomic context (GRCh38, chrX:71,424,182, plus strand): 5'-TGTATCTGAGTGCCTGATTCTTTTCATCACAGAACATCTCCAAGCACAAGTATCAGAGTC[G>A]GGAGAGCTTTCTGGATGATGTAAACCTTATTCTGGCCAACAGTGTTAAGTATAATGGTGG-3'
Protein context (NP_004597.3, residues 1556-1576): KNISKHKYQS[Arg1566Gln]ESFLDDVNLI